The following is an entry in ClinVar:

ClinVar aggregate classification (germline): Uncertain significance. Review status: criteria provided, multiple submitters, no conflicts (2 of 4 stars). 2 submissions from 2 submitters: Uncertain significance (2). Last evaluated 2024-12-03.

Conditions:
Brugada syndrome. Also called: Sudden unexpected nocturnal death syndrome; Sudden unexplained nocturnal death syndrome; Sudden Unexplained Death Syndrome; Sudden Unexplained Nocturnal Death Syndrome (SUNDS). Identifiers: Orphanet 130, MedGen C1142166, MONDO:0015263.
Cardiovascular phenotype. Identifiers: MedGen CN230736.

Allele frequency attached by ClinVar (database versions not stated): ExAC 0.00002; gnomAD 0.00002; TOPMed 0.00002.

Submissions (2):

Ambry Genetics
Classification: Uncertain significance for Cardiovascular phenotype. Last evaluated: 2024-12-03. Review status: criteria provided, single submitter. Criteria: Ambry Variant Classification Scheme 2023. Collection method: clinical testing. Allele origin: germline.
Comment: The p.G1698V variant (also known as c.5093G>T), located in coding exon 27 of the SCN10A gene, results from a G to T substitution at nucleotide position 5093. The glycine at codon 1698 is replaced by valine, an amino acid with dissimilar properties. This amino acid position is highly conserved in available vertebrate species. In addition, this alteration is predicted to be deleterious by in silico analysis. The evidence for this gene-disease relationship is limited; therefore, the clinical significance of this alteration is unclear.

Labcorp Genetics (formerly Invitae), Labcorp
Classification: Uncertain significance for Brugada syndrome. Last evaluated: 2022-07-05. Review status: criteria provided, single submitter. Criteria: Invitae Variant Classification Sherloc (09022015). Collection method: clinical testing. Allele origin: germline.
Comment: This sequence change replaces glycine, which is neutral and non-polar, with valine, which is neutral and non-polar, at codon 1698 of the SCN10A protein (p.Gly1698Val). This variant is present in population databases (rs201985536, gnomAD 0.07%). This variant has not been reported in the literature in individuals affected with SCN10A-related conditions. ClinVar contains an entry for this variant (Variation ID: 649224). Advanced modeling of protein sequence and biophysical properties (such as structural, functional, and spatial information, amino acid conservation, physicochemical variation, residue mobility, and thermodynamic stability) performed at Invitae indicates that this missense variant is expected to disrupt SCN10A protein function. In summary, the available evidence is currently insufficient to determine the role of this variant in disease. Therefore, it has been classified as a Variant of Uncertain Significance.

Literature cited by the submitters: PubMed 29273096 (cited by Ambry Genetics).

NM_006514.4(SCN10A):c.5093G>T (p.Gly1698Val)

Gene: SCN10A (sodium voltage-gated channel alpha subunit 10; minus strand). Cytogenetic location: 3p22.2.
Variant type: single nucleotide variant.
Coding change: c.5093G>T on transcript NM_006514.4 (MANE Select); coding-DNA position 5093, G replaced by T.
Protein change: p.Gly1698Val; replaces glycine 1698 with valine.
Molecular consequence: missense variant.
Genome position (GRCh38, 1-based): chr3:38,698,127, C>A on the plus strand (G>T on the coding strand, the complement: SCN10A is on the minus strand). VCF-style: chr3-38698127-C-A. GRCh37 (hg19) VCF-style: chr3-38739618-C-A.
Other names: c.5090G>T, p.Gly1697Val (NM_001293306.2); c.4799G>T, p.Gly1600Val (NM_001293307.2); short protein forms G1698V, G1697V, G1600V.
Identifiers: ClinVar variation 649224 (VCV000649224.9), dbSNP rs201985536, ClinGen allele CA2319735.